The following is an entry in ClinVar:

ClinVar aggregate classification (germline): Uncertain significance (1 of 4 stars; one submission).

Submission:

Labcorp Genetics (formerly Invitae), Labcorp
Classification: Uncertain significance. Last evaluated: 2024-02-18. Review status: criteria provided, single submitter. Criteria: Invitae Variant Classification Sherloc (09022015). Collection method: clinical testing. Allele origin: germline.
Comment: This sequence change results in a frameshift in the DLST gene (p.Leu436Profs*47). While this is not anticipated to result in nonsense mediated decay, it is expected to disrupt the last 18 amino acid(s) of the DLST protein and extend the protein by 28 additional amino acid residues. This variant is not present in population databases (gnomAD no frequency). This variant has not been reported in the literature in individuals affected with DLST-related conditions. In summary, the available evidence is currently insufficient to determine the role of this variant in disease. Therefore, it has been classified as a Variant of Uncertain Significance.

NM_001933.5(DLST):c.1304dup (p.Leu436fs)

Gene: DLST (dihydrolipoamide S-succinyltransferase; plus strand). Cytogenetic location: 14q24.3.
Variant type: Duplication.
Coding change: c.1304dup on transcript NM_001933.5 (MANE Select); coding-DNA position 1304, one base duplicated (T; older notation c.1304dupT).
Protein change: p.Leu436fs; shifts the reading frame from leucine 436.
Molecular consequence: frameshift variant. On other transcripts: non-coding transcript variant (2).
Genome position (GRCh38, 1-based): chr14:74,902,272, T duplicated; the last of 3 consecutive T bases (chr14:74,902,270-74,902,272); duplicating any one gives the same sequence. VCF-style (leftmost placement, unchanged base first): chr14-74902269-C-CT. GRCh37 (hg19) VCF-style: chr14-75368972-C-CT.
Other names: short protein forms L436fs.
Identifiers: ClinVar variation 3641820 (VCV003641820.2).